The following is an entry in ClinVar:

ClinVar aggregate classification (germline): Uncertain significance (1 of 4 stars; one submission).

Submission:

Labcorp Genetics (formerly Invitae), Labcorp
Classification: Uncertain significance. Last evaluated: 2021-12-02. Review status: criteria provided, single submitter. Criteria: Invitae Variant Classification Sherloc (09022015). Collection method: clinical testing. Allele origin: germline.
Comment: In summary, the available evidence is currently insufficient to determine the role of this variant in disease. Therefore, it has been classified as a Variant of Uncertain Significance. Algorithms developed to predict the effect of missense changes on protein structure and function are either unavailable or do not agree on the potential impact of this missense change (SIFT: "Deleterious"; PolyPhen-2: "Possibly Damaging"; Align-GVGD: "Class C0"). This variant has not been reported in the literature in individuals affected with RBP3-related conditions. This variant is not present in population databases (gnomAD no frequency). This sequence change replaces glutamic acid, which is acidic and polar, with lysine, which is basic and polar, at codon 822 of the RBP3 protein (p.Glu822Lys).

NM_002900.3(RBP3):c.2464G>A (p.Glu822Lys)

Gene: RBP3 (retinol binding protein 3; plus strand). Cytogenetic location: 10q11.22.
Variant type: single nucleotide variant.
Coding change: c.2464G>A on transcript NM_002900.3 (MANE Select); coding-DNA position 2464, G replaced by A.
Protein change: p.Glu822Lys; replaces glutamic acid 822 with lysine.
Molecular consequence: missense variant.
Genome position (GRCh38, 1-based): chr10:47,350,948, G>A. VCF-style: chr10-47350948-G-A. GRCh37 (hg19) VCF-style: chr10-48388414-C-T.
Other names: short protein forms E822K.
Identifiers: ClinVar variation 1897096 (VCV001897096.3), dbSNP rs1836960813, ClinGen allele CA376673214.
Genomic context (GRCh38, chr10:47,350,948, plus strand): 5'-GAGGCAGAGCCCCGCCAGCACCTGTATTCTGTCTTTGACAGGGCCACCTCAAAAGTCACG[G>A]AGGTGTGGACCTTGCCCCAGGTCGCCGGCCAGCGCTACGGCTCACACAAGGACCTCTACA-3'
Protein context (NP_002891.1, residues 812-832): VFDRATSKVT[Glu822Lys]VWTLPQVAGQ